The following is an entry in ClinVar:

NM_022124.6(CDH23):c.7121_7145del (p.Ala2374fs)

Gene: CDH23 (cadherin related 23; plus strand). Cytogenetic location: 10q22.1.
Variant type: Deletion.
Coding change: c.7121_7145del on transcript NM_022124.6 (MANE Select); coding-DNA positions 7121 to 7145, 25 bases deleted (CCTCAGACAACGGGTCCCCGCCCCG).
Protein change: p.Ala2374fs; shifts the reading frame from alanine 2374.
Molecular consequence: frameshift variant.
Genome position (GRCh38, 1-based): chr10:71,799,177-71,799,201, CCTCAGACAACGGGTCCCCGCCCCG deleted; deleting any 25 consecutive bases within chr10:71,799,176-71,799,201 gives the same sequence; the c. name uses the placement nearest the transcript's 3' end. VCF-style (leftmost placement, unchanged base first): chr10-71799175-GGCCTCAGACAACGGGTCCCCGCCCC-G. GRCh37 (hg19) VCF-style: chr10-73558932-GGCCTCAGACAACGGGTCCCCGCCCC-G.
Other names: c.401_425del, p.Ala134fs (NM_001171933.1, NM_001171934.1); short protein forms A2374fs, A134fs.
Identifiers: ClinVar variation 1421977 (VCV001421977.6), dbSNP rs2132967790, ClinGen allele CA2573145291.

ClinVar aggregate classification (germline): Pathogenic (1 of 4 stars; one submission).

Submission:

Labcorp Genetics (formerly Invitae), Labcorp
Classification: Pathogenic. Last evaluated: 2023-10-13. Review status: criteria provided, single submitter. Criteria: Invitae Variant Classification Sherloc (09022015). Collection method: clinical testing. Allele origin: germline.
Comment: This sequence change creates a premature translational stop signal (p.Ala2374Glyfs*41) in the CDH23 gene. It is expected to result in an absent or disrupted protein product. Loss-of-function variants in CDH23 are known to be pathogenic (PMID: 11138009, 21940737). This variant is not present in population databases (gnomAD no frequency). This variant has not been reported in the literature in individuals affected with CDH23-related conditions. ClinVar contains an entry for this variant (Variation ID: 1421977). For these reasons, this variant has been classified as Pathogenic.

Literature cited by the submitters: PubMed 11138009; PubMed 21940737.